The following is an entry in ClinVar:

ClinVar aggregate classification (germline): Uncertain significance (1 of 4 stars; one submission).

Conditions:
PCNT-related disorder. Also called: PCNT-related condition.

gnomAD v4.1: 1 of 1,614,078 alleles (0.000062%); highest among the groups gnomAD compares: Admixed American, 0.0017%; no homozygotes.

Submission:

PreventionGenetics, part of Exact Sciences
Classification: Uncertain significance for PCNT-related condition. Last evaluated: 2025-04-30. Review status: criteria provided, single submitter. Criteria: ACMG Guidelines, 2015. Collection method: clinical testing. Allele origin: germline.
Comment: The PCNT c.1889C>T variant is predicted to result in the amino acid substitution p.Ala630Val. To our knowledge, this variant has not been reported in the literature. This variant is reported in 0.0029% of alleles in individuals of Latino descent in gnomAD. At this time, the clinical significance of this variant is uncertain due to the absence of conclusive functional and genetic evidence.

NM_006031.6(PCNT):c.1889C>T (p.Ala630Val)

Gene: PCNT (pericentrin; plus strand). Cytogenetic location: 21q22.3.
Variant type: single nucleotide variant.
Coding change: c.1889C>T on transcript NM_006031.6 (MANE Select); coding-DNA position 1889, C replaced by T.
Protein change: p.Ala630Val; replaces alanine 630 with valine.
Molecular consequence: missense variant.
Genome position (GRCh38, 1-based): chr21:46,355,579, C>T. VCF-style: chr21-46355579-C-T. GRCh37 (hg19) VCF-style: chr21-47775494-C-T.
Other names: c.1535C>T, p.Ala512Val (NM_001315529.2); short protein forms A512V, A630V.
Identifiers: ClinVar variation 3352873 (VCV003352873.2).